The following is an entry in ClinVar:

ClinVar aggregate classification (germline): Benign. Review status: criteria provided, multiple submitters, no conflicts (2 of 4 stars). 18 submissions from 18 submitters: Benign (10). 8 of the submissions do not count toward it. Last evaluated 2026-02-04.

Conditions:
Niemann-Pick disease, type C1. Also called: NIEMANN-PICK DISEASE, VARIANT TYPE C1; NEUROVISCERAL STORAGE DISEASE WITH VERTICAL SUPRANUCLEAR OPHTHALMOPLEGIA; NIEMANN-PICK DISEASE WITH CHOLESTEROL ESTERIFICATION BLOCK; NIEMANN-PICK DISEASE WITHOUT SPHINGOMYELINASE DEFICIENCY; NIEMANN-PICK DISEASE, CHRONIC NEURONOPATHIC FORM. Identifiers: Orphanet 646, MedGen C3179455, MONDO:0009757, OMIM 257220.

Allele frequency attached by ClinVar (database versions not stated): ESP Exome Variant Server 0.44272; 1000 Genomes Project 30x 0.48298; 1000 Genomes Project 0.48582; gnomAD exomes 0.49943 and 0.48960; ExAC 0.49466; TOPMed 0.46736.
gnomAD v4.1: 782,226 of 1,607,602 alleles (49%); highest among the groups gnomAD compares: East Asian, 65%; 193,451 homozygotes.

Submissions (18):

Labcorp Genetics (formerly Invitae), Labcorp
Classification: Benign for Niemann-Pick disease, type C1. Last evaluated: 2026-02-04. Review status: criteria provided, single submitter. Criteria: Invitae Variant Classification Sherloc (09022015). Collection method: clinical testing. Allele origin: germline.

Blueprint Genetics
Classification: Benign. Last evaluated: 2024-11-28. Review status: criteria provided, single submitter. Criteria: ACMG Guidelines, 2015. Collection method: clinical testing. Allele origin: germline.

Genome-Nilou Lab
Classification: Benign for Niemann-Pick disease, type C1. Last evaluated: 2021-06-10. Review status: criteria provided, single submitter. Criteria: ACMG Guidelines, 2015. Collection method: clinical testing. Allele origin: germline. Affected: no.

Illumina Laboratory Services, Illumina
Classification: Benign for Niemann-Pick disease type C1. Last evaluated: 2018-01-13. Review status: criteria provided, single submitter. Criteria: ICSL Variant Classification Criteria 13 December 2019. Collection method: clinical testing. Allele origin: germline.
Comment: This variant was observed in the ICSL laboratory as part of a predisposition screen in an ostensibly healthy population. It had not been previously curated by ICSL or reported in the Human Gene Mutation Database (HGMD: prior to June 1st, 2018), and was therefore a candidate for classification through an automated scoring system. Utilizing variant allele frequency, disease prevalence and penetrance estimates, and inheritance mode, an automated score was calculated to assess if this variant is too frequent to cause the disease. Based on the score and internal cut-off values, a variant classified as benign is not then subjected to further curation. The score for this variant resulted in a classification of benign for this disease.

Laboratory for Molecular Medicine, Mass General Brigham Personalized Medicine
Classification: Benign. Last evaluated: 2016-03-28. Review status: criteria provided, single submitter. Criteria: LMM Criteria. Collection method: clinical testing. Allele origin: germline.
Comment: Variant identified in a genome or exome case(s) and assessed due to predicted null impact of the variant or pathogenic assertions in the literature or databases. Disclaimer: This variant has not undergone full assessment. The following are preliminary notes: Frequency

Clinical Genetics DNA and cytogenetics Diagnostics Lab, Erasmus MC, Erasmus Medical Center
Classification: Benign for Niemann-Pick disease, type C1. Last evaluated: 2015-09-21. Review status: criteria provided, single submitter. Criteria: ACGS Guidelines, 2013. Collection method: clinical testing. Allele origin: germline. Affected: yes. Study: VKGL Data-share Consensus.

Eurofins Ntd Llc (ga)
Classification: Benign. Last evaluated: 2015-07-24. Review status: criteria provided, single submitter. Criteria: EGL Classification Definitions 2015. Collection method: clinical testing. Allele origin: germline. Observed: 78 variant alleles, 51 heterozygotes, 27 homozygotes.

GeneDx
Classification: Benign. Last evaluated: 2015-03-03. Review status: criteria provided, single submitter. Criteria: GeneDx Variant Classification Process June 2021. Collection method: clinical testing. Allele origin: germline. Affected: yes.

Breakthrough Genomics
Classification: Benign. Review status: criteria provided, single submitter. Criteria: ACMG Guidelines, 2015. Collection method: not provided. Allele origin: germline. Inheritance: Autosomal recessive inheritance. Affected: yes.

PreventionGenetics, part of Exact Sciences
Classification: Benign. Review status: criteria provided, single submitter. Criteria: ACMG Guidelines, 2015. Collection method: clinical testing. Allele origin: germline.

Natera, Inc.
Classification: Benign for Niemann-Pick disease type C1. Last evaluated: 2020-09-16. Review status: no assertion criteria provided. Collection method: clinical testing. Allele origin: germline. Not counted in ClinVar's aggregate classification.

Genome Diagnostics Laboratory, Amsterdam University Medical Center
Classification: Benign for Niemann-Pick disease, type C1. Last evaluated: 2016-04-22. Review status: no assertion criteria provided. Criteria: ACGS Guidelines, 2013. Collection method: clinical testing. Allele origin: germline. Affected: yes. Study: VKGL Data-share Consensus. Not counted in ClinVar's aggregate classification.

Mayo Clinic Laboratories, Mayo Clinic
Classification: Benign. Last evaluated: 2015-10-20. Review status: no assertion criteria provided. Collection method: clinical testing. Allele origin: unknown. Not counted in ClinVar's aggregate classification.

Clinical Genetics, Academic Medical Center
Classification: Benign. Review status: no assertion criteria provided. Collection method: clinical testing. Allele origin: germline. Affected: yes. Study: VKGL Data-share Consensus. Not counted in ClinVar's aggregate classification.

Diagnostic Laboratory, Department of Genetics, University Medical Center Groningen
Classification: Benign for Niemann-Pick disease, type C1. Review status: no assertion criteria provided. Collection method: clinical testing. Allele origin: germline. Affected: yes. Study: VKGL Data-share Consensus. Not counted in ClinVar's aggregate classification.

GeneReviews
No classification provided. Condition: Niemann-Pick disease, type C1. Review status: no classification provided. Collection method: literature only. Allele origin: unknown. Not counted in ClinVar's aggregate classification.

Genetic Services Laboratory, University of Chicago
Classification: Likely benign for AllHighlyPenetrant. Review status: no assertion criteria provided. Collection method: clinical testing. Allele origin: germline. Inheritance: Autosomal recessive inheritance. Not counted in ClinVar's aggregate classification.
Comment: Likely benign based on allele frequency in 1000 Genomes Project or ESP global frequency and its presence in a patient with a rare or unrelated disease phenotype. NOT Sanger confirmed.

Joint Genome Diagnostic Labs from Nijmegen and Maastricht, Radboudumc and MUMC+
Classification: Benign. Review status: no assertion criteria provided. Collection method: clinical testing. Allele origin: germline. Affected: yes. Study: VKGL Data-share Consensus. Not counted in ClinVar's aggregate classification.

Literature cited by the submitters: PubMed 20301473 (cited by GeneReviews); NCBI Bookshelf NBK1296 (cited by GeneReviews).

NM_000271.5(NPC1):c.2572A>G (p.Ile858Val)

Gene: NPC1 (NPC intracellular cholesterol transporter 1; minus strand). Cytogenetic location: 18q11.2.
Variant type: single nucleotide variant.
Coding change: c.2572A>G on transcript NM_000271.5 (MANE Select); coding-DNA position 2572, A replaced by G.
Protein change: p.Ile858Val; replaces isoleucine 858 with valine.
Molecular consequence: missense variant.
Genome position (GRCh38, 1-based): chr18:23,540,480, T>C on the plus strand (A>G on the coding strand, the complement: NPC1 is on the minus strand). VCF-style: chr18-23540480-T-C. GRCh37 (hg19) VCF-style: chr18-21120444-T-C.
Other names: short protein forms I858V.
Identifiers: ClinVar variation 21135 (VCV000021135.39), dbSNP rs1805082, ClinGen allele CA145957.
Genomic context (GRCh38, chr18:23,540,480, plus strand): 5'-AAAAAAAAAAAAAAGGAAGTCATCTTACATCTGGCATCGAAAGAGACTGATCCAATCCAA[T>C]ATCTACTTTGTTCAGGACTGCGATGCTGAATGACAGAACACCCACAAATATTGCTATCTG-3'
Protein context (NP_000262.2, residues 848-868): FSIAVLNKVD[Ile858Val]GLDQSLSMPD